The following is an entry in ClinVar:

ClinVar aggregate classification (germline): Uncertain significance (1 of 4 stars; one submission).

Submission:

Labcorp Genetics (formerly Invitae), Labcorp
Classification: Uncertain significance. Last evaluated: 2021-11-21. Review status: criteria provided, single submitter. Criteria: Invitae Variant Classification Sherloc (09022015). Collection method: clinical testing. Allele origin: germline.
Comment: In summary, the available evidence is currently insufficient to determine the role of this variant in disease. Therefore, it has been classified as a Variant of Uncertain Significance. Algorithms developed to predict the effect of sequence changes on RNA splicing suggest that this variant may create or strengthen a splice site. This variant has not been reported in the literature in individuals affected with FZD4-related conditions. This variant is not present in population databases (gnomAD no frequency). This sequence change falls in intron 1 of the FZD4 gene. It does not directly change the encoded amino acid sequence of the FZD4 protein.

NM_012193.4(FZD4):c.286-14T>A

Genes: FZD4 (frizzled class receptor 4; minus strand), PRSS23 (serine protease 23; plus strand). Cytogenetic location: 11q14.2.
Variant type: single nucleotide variant.
Coding change: c.286-14T>A on transcript NM_012193.4 (MANE Select); 14 bases into the intron before coding-DNA position 286, T replaced by A.
Molecular consequence: intron variant. On other transcripts: non-coding transcript variant (2).
Genome position (GRCh38, 1-based): chr11:86,952,484, A>T on the plus strand (T>A on the coding strand, the complement: FZD4 is on the minus strand). VCF-style: chr11-86952484-A-T. GRCh37 (hg19) VCF-style: chr11-86663526-A-T.
Identifiers: ClinVar variation 1515434 (VCV001515434.6), dbSNP rs2135042072, ClinGen allele CA2573147788.